The following is an entry in ClinVar:

NM_000455.5(STK11):c.1192_1193delinsTT (p.Ala398Leu)

Gene: STK11 (serine/threonine kinase 11; plus strand). Cytogenetic location: 19p13.3.
Variant type: Indel.
Coding change: c.1192_1193delinsTT on transcript NM_000455.5 (MANE Select); coding-DNA positions 1192 to 1193, GC replaced by TT.
Protein change: p.Ala398Leu; replaces alanine 398 with leucine.
Molecular consequence: missense variant.
Genome position (GRCh38, 1-based): chr19:1,226,537-1,226,538, GC replaced by TT. VCF-style: chr19-1226537-GC-TT. GRCh37 (hg19) VCF-style: chr19-1226536-GC-TT.
Other names: c.1192_1193delGCinsTT (NM_000455.4); short protein forms A398L.
Identifiers: ClinVar variation 818564 (VCV000818564.19), dbSNP rs1599932256, ClinGen allele CA915951603.

ClinVar aggregate classification (germline): Uncertain significance. Review status: criteria provided, multiple submitters, no conflicts (2 of 4 stars). 5 submissions from 5 submitters: Uncertain significance (5). Last evaluated 2024-01-03.

Conditions:
Hereditary cancer-predisposing syndrome. Also called: Hereditary Cancer Syndrome; Neoplastic Syndromes, Hereditary; Hereditary neoplastic syndrome; Tumor predisposition. Identifiers: Orphanet 140162, MedGen C0027672, MeSH D009386, MONDO:0015356.
Peutz-Jeghers syndrome (PJS). Also called: Peutz-Jeghers polyposis; Periorificial lentiginosis syndrome; POLYPOSIS, HAMARTOMATOUS INTESTINAL; POLYPS-AND-SPOTS SYNDROME. Identifiers: Orphanet 2869, MedGen C0031269, MeSH D010580, MONDO:0008280, OMIM 175200.
Melanoma, cutaneous malignant, susceptibility to, 1 (CMM1). Also called: DYSPLASTIC NEVUS SYNDROME, HEREDITARY; FAMILIAL ATYPICAL MOLE-MALIGNANT MELANOMA SYNDROME; MELANOMA, MALIGNANT; B-K MOLE SYNDROME. Identifiers: Orphanet 618, MedGen C1835047, MONDO:0007963, OMIM 155600.

Submissions (5):

Baylor Genetics
Classification: Uncertain significance for Melanoma, cutaneous malignant, susceptibility to, 1. Last evaluated: 2024-01-03. Review status: criteria provided, single submitter. Criteria: ACMG Guidelines, 2015. Collection method: clinical testing. Allele origin: unknown.

Color Diagnostics, LLC DBA Color Health
Classification: Uncertain significance for Hereditary cancer-predisposing syndrome. Last evaluated: 2023-12-04. Review status: criteria provided, single submitter. Criteria: ACMG Guidelines, 2015. Collection method: clinical testing. Allele origin: germline.
Comment: This missense variant replaces alanine with leucine at codon 398 of the STK11 protein. To our knowledge, functional studies have not been reported for this variant. This variant has not been reported in individuals affected with hereditary cancer in the literature. This variant has not been identified in the general population by the Genome Aggregation Database (gnomAD). The available evidence is insufficient to determine the role of this variant in disease conclusively. Therefore, this variant is classified as a Variant of Uncertain Significance.

Labcorp Genetics (formerly Invitae), Labcorp
Classification: Uncertain significance for Peutz-Jeghers syndrome. Last evaluated: 2023-04-20. Review status: criteria provided, single submitter. Criteria: Invitae Variant Classification Sherloc (09022015). Collection method: clinical testing. Allele origin: germline.
Comment: This sequence change replaces alanine, which is neutral and non-polar, with leucine, which is neutral and non-polar, at codon 398 of the STK11 protein (p.Ala398Leu). This variant has not been reported in the literature in individuals affected with STK11-related conditions. In summary, the available evidence is currently insufficient to determine the role of this variant in disease. Therefore, it has been classified as a Variant of Uncertain Significance. An algorithm developed to predict the effect of missense changes on protein structure and function (PolyPhen-2) suggests that this variant is likely to be tolerated. ClinVar contains an entry for this variant (Variation ID: 818564). Information on the frequency of this variant in the gnomAD database is not available, as this variant may be reported differently in the database.

Genome-Nilou Lab
Classification: Uncertain significance for Peutz-Jeghers syndrome. Last evaluated: 2021-07-15. Review status: criteria provided, single submitter. Criteria: ACMG Guidelines, 2015. Collection method: clinical testing. Allele origin: germline. Affected: no.

Ambry Genetics
Classification: Uncertain significance for Hereditary cancer-predisposing syndrome. Last evaluated: 2019-03-30. Review status: criteria provided, single submitter. Criteria: Ambry Variant Classification Scheme 2023. Collection method: clinical testing. Allele origin: germline.
Comment: The c.1192_1193delGCinsTT variant, located in coding exon 9 of the STK11 gene, results from an in-frame deletion of GC and insertion of TT at nucleotide positions 1192 to 1193. This results in the substitution of the alanine residue for a leucine residue at codon 398, an amino acid with similar properties. This amino acid position is not well conserved in available vertebrate species. Since supporting evidence is limited at this time, the clinical significance of this alteration remains unclear.